The following is an entry in ClinVar:

NM_006306.4(SMC1A):c.1274T>C (p.Leu425Pro)

Gene: SMC1A (structural maintenance of chromosomes 1A; minus strand). Cytogenetic location: Xp11.22.
Variant type: single nucleotide variant.
Coding change: c.1274T>C on transcript NM_006306.4 (MANE Select); coding-DNA position 1274, T replaced by C.
Protein change: p.Leu425Pro; replaces leucine 425 with proline.
Molecular consequence: missense variant.
Genome position (GRCh38, 1-based): chrX:53,409,484, A>G on the plus strand (T>C on the coding strand, the complement: SMC1A is on the minus strand). VCF-style: chrX-53409484-A-G. GRCh37 (hg19) VCF-style: chrX-53436415-A-G.
Other names: c.1208T>C, p.Leu403Pro (NM_001281463.1); short protein forms L403P, L425P.
Identifiers: ClinVar variation 3383223 (VCV003383223.1).

ClinVar aggregate classification (germline): Uncertain significance (1 of 4 stars; one submission).

Conditions:
Congenital muscular hypertrophy-cerebral syndrome (CDLS2). Also called: Cornelia de Lange syndrome 2; SMC1A-Related Cornelia de Lange Syndrome. Identifiers: Orphanet 199, MedGen C1802395, MONDO:0010370, OMIM 300590.

Submission:

MVZ Medizinische Genetik Mainz
Classification: Uncertain significance for Congenital muscular hypertrophy-cerebral syndrome. Last evaluated: 2024-11-05. Review status: criteria provided, single submitter. Criteria: UK Practice Guidelines For Variant Classification V4 01 2020. Collection method: clinical testing. Allele origin: germline. Inheritance: X-linked dominant inheritance. Affected: yes. Observed: 1 variant allele.
Comment: ACMG Criteria: PS2,PM2_SUP,PP2,BP4